The following is an entry in ClinVar:

NM_000349.3(STAR):c.545G>C (p.Arg182Pro)

Gene: STAR (steroidogenic acute regulatory protein; minus strand). Cytogenetic location: 8p11.23.
Variant type: single nucleotide variant.
Coding change: c.545G>C on transcript NM_000349.3 (MANE Select); coding-DNA position 545, G replaced by C.
Protein change: p.Arg182Pro; replaces arginine 182 with proline.
Molecular consequence: missense variant.
Genome position (GRCh38, 1-based): chr8:38,146,068, C>G on the plus strand (G>C on the coding strand, the complement: STAR is on the minus strand). VCF-style: chr8-38146068-C-G. GRCh37 (hg19) VCF-style: chr8-38003586-C-G.
Other names: short protein forms R182P.
Identifiers: ClinVar variation 4688383 (VCV004688383.1).

ClinVar aggregate classification (germline): Uncertain significance (1 of 4 stars; one submission).

Submission:

Women's Health and Genetics/Laboratory Corporation of America, LabCorp
Classification: Uncertain significance. Last evaluated: 2025-12-11. Review status: criteria provided, single submitter. Criteria: LabCorp Variant Classification Summary - May 2015. Collection method: clinical testing. Allele origin: germline.
Comment: Variant summary: STAR c.545G>C (p.Arg182Pro) results in a non-conservative amino acid change in the encoded protein sequence. Algorithms developed to predict the effect of missense changes on protein structure and function all suggest that this variant is likely to be disruptive. The variant was absent in 251304 control chromosomes. To our knowledge, no occurrence of c.545G>C in individuals affected with STAR-related conditions and no experimental evidence demonstrating its impact on protein function have been reported. Different variant(s) affecting the same codon has been classified as pathogenic by our lab (p.Arg182Cys, p.Arg182Leu), supporting the critical relevance of codon 182 to STAR protein function. No submitters have cited clinical-significance assessments for this variant to ClinVar. Based on the evidence outlined above, the variant was classified as VUS-possibly pathogenic.